The following is an entry in ClinVar:

ClinVar aggregate classification (germline): Uncertain significance. Review status: criteria provided, multiple submitters, no conflicts (2 of 4 stars). 2 submissions from 2 submitters: Uncertain significance (2). Last evaluated 2026-07-22.

Conditions:
Charcot-Marie-Tooth disease type 4. Also called: Charcot-Marie-Tooth disease, type IV; Charcot-Marie-Tooth, Type 4. Identifiers: Orphanet 64749, MedGen C4082197, MONDO:0018995.
SH3TC2-related disorder. Also called: SH3TC2-related condition; SH3TC2-related disorders. Identifiers: MedGen CN239303.

Allele frequency attached by ClinVar (database versions not stated): TOPMed below 0.00001.
gnomAD v4.1: 4 of 1,614,124 alleles (0.00025%); highest among the groups gnomAD compares: Non-Finnish European, 0.00034%; no homozygotes.

Submissions (2):

PreventionGenetics, part of Exact Sciences
Classification: Uncertain significance for SH3TC2-related condition. Last evaluated: 2026-07-22. Review status: criteria provided, single submitter. Criteria: ACMG Guidelines, 2015. Collection method: clinical testing. Allele origin: germline.
Comment: The SH3TC2 c.3607C>A variant is predicted to result in the amino acid substitution p.Pro1203Thr. To our knowledge, this variant has not been reported in the literature or in a large population database (gnomAD), indicating this variant is rare. At this time, the clinical significance of this variant is uncertain due to the absence of conclusive functional and genetic evidence.

Labcorp Genetics (formerly Invitae), Labcorp
Classification: Uncertain significance for Charcot-Marie-Tooth disease type 4. Last evaluated: 2021-12-21. Review status: criteria provided, single submitter. Criteria: Invitae Variant Classification Sherloc (09022015). Collection method: clinical testing. Allele origin: germline.
Comment: This sequence change replaces proline, which is neutral and non-polar, with threonine, which is neutral and polar, at codon 1203 of the SH3TC2 protein (p.Pro1203Thr). This variant is not present in population databases (gnomAD no frequency). This variant has not been reported in the literature in individuals affected with SH3TC2-related conditions. Advanced modeling of protein sequence and biophysical properties (such as structural, functional, and spatial information, amino acid conservation, physicochemical variation, residue mobility, and thermodynamic stability) performed at Invitae indicates that this missense variant is not expected to disrupt SH3TC2 protein function. In summary, the available evidence is currently insufficient to determine the role of this variant in disease. Therefore, it has been classified as a Variant of Uncertain Significance.

NM_024577.4(SH3TC2):c.3607C>A (p.Pro1203Thr)

Gene: SH3TC2 (SH3 domain and tetratricopeptide repeats 2; minus strand). Cytogenetic location: 5q32.
Variant type: single nucleotide variant.
Coding change: c.3607C>A on transcript NM_024577.4 (MANE Select); coding-DNA position 3607, C replaced by A.
Protein change: p.Pro1203Thr; replaces proline 1203 with threonine.
Molecular consequence: missense variant.
Genome position (GRCh38, 1-based): chr5:149,006,949, G>T on the plus strand (C>A on the coding strand, the complement: SH3TC2 is on the minus strand). VCF-style: chr5-149006949-G-T. GRCh37 (hg19) VCF-style: chr5-148386512-G-T.
Other names: short protein forms P1203T.
Identifiers: ClinVar variation 2199556 (VCV002199556.2), dbSNP rs764665807, ClinGen allele CA361664019.
Genomic context (GRCh38, chr5:149,006,949, plus strand): 5'-GGCAGAAGGTGAGTCTGCCCAGGCGATAATACACCTTGGCATAGTACAGGGCCTCCTTGG[G>T]ACTCTGCAGCCATGGTGGACAGAGGGACAGGGTCTTCAGGTAGCAGTCCTCAGCCATCTC-3'
Protein context (NP_078853.2, residues 1193-1213): LSLCPPWLQS[Pro1203Thr]KEALYYAKVY